The following is an entry in ClinVar:

NM_001012759.3(CTU2):c.1006-1G>A

Gene: CTU2 (cytosolic thiouridylase subunit 2; plus strand). Cytogenetic location: 16q24.3.
Variant type: single nucleotide variant.
Coding change: c.1006-1G>A on transcript NM_001012759.3 (MANE Select); the canonical splice acceptor site of the intron before coding-DNA position 1006, G replaced by A.
Molecular consequence: splice acceptor variant.
Genome position (GRCh38, 1-based): chr16:88,714,135, G>A. VCF-style: chr16-88714135-G-A. GRCh37 (hg19) VCF-style: chr16-88780543-G-A.
Other names: c.1219-1G>A (NM_001318507.2); c.1006-1G>A (NM_001012762.3); c.745-1G>A (NM_001318513.2).
Identifiers: ClinVar variation 5005653 (VCV005005653.2).

ClinVar aggregate classification (germline): Likely pathogenic (1 of 4 stars; one submission).

Conditions:
Microcephaly, facial dysmorphism, renal agenesis, and ambiguous genitalia syndrome. Identifiers: MedGen C4748348, MONDO:0020647, OMIM 618142.

gnomAD v4.1: 8 of 1,612,450 alleles (0.0005%); highest among the groups gnomAD compares: East Asian, 0.016%; no homozygotes.

Submission:

Juno Genomics, Hangzhou Juno Genomics, Inc
Classification: Likely pathogenic for Microcephaly, facial dysmorphism, renal agenesis, and ambiguous genitalia syndrome. Review status: criteria provided, single submitter. Criteria: ACMG Guidelines, 2015. Collection method: clinical testing. Allele origin: germline.
Comment: Null variant in a gene where loss of function (LOF) is a known mechanism of disease.;Absent from controls (or at extremely low frequency if recessive) in Genome Aggregation Database.